The following is an entry in ClinVar:

NM_000444.6(PHEX):c.1367G>A (p.Trp456Ter)

Gene: PHEX (phosphate regulating endopeptidase X-linked; plus strand). Cytogenetic location: Xp22.11.
Variant type: single nucleotide variant.
Coding change: c.1367G>A on transcript NM_000444.6 (MANE Select); coding-DNA position 1367, G replaced by A.
Protein change: p.Trp456Ter; replaces tryptophan 456 with a stop codon.
Molecular consequence: nonsense.
Genome position (GRCh38, 1-based): chrX:22,133,587, G>A. VCF-style: chrX-22133587-G-A. GRCh37 (hg19) VCF-style: chrX-22151704-G-A.
Other names: c.1367G>A, p.Trp456Ter (NM_001282754.2); short protein forms W456*.
Identifiers: ClinVar variation 280072 (VCV000280072.4), dbSNP rs886041359, ClinGen allele CA10603714.

ClinVar aggregate classification (germline): Pathogenic. Review status: criteria provided, multiple submitters, no conflicts (2 of 4 stars). 2 submissions from 2 submitters: Pathogenic (2). Last evaluated 2018-08-28.

Conditions:
Familial X-linked hypophosphatemic vitamin D refractory rickets (XLHRD). Also called: Hypophosphatemia, vitamin D-resistant rickets; Vitamin D-resistant rickets, X-linked; X-Linked Hypophosphatemia; Hypophosphatemic Rickets, X-Linked Dominant; HYPOPHOSPHATEMIC VITAMIN D-RESISTANT RICKETS. Identifiers: Orphanet 89936, MedGen C0733682, MONDO:0010619, OMIM 307800.

Submissions (2):

GeneDx
Classification: Pathogenic. Last evaluated: 2018-08-28. Review status: criteria provided, single submitter. Criteria: GeneDx Variant Classification (06012015). Collection method: clinical testing. Allele origin: germline. Affected: yes.
Comment: The W456X nonsense variant in the PHEX gene has been reported previously in association with X-linked hypophosphatemic rickets (Francis et al., 1997). The W456X variant was not observed in approximately 6,500 individuals of European and African American ancestry in the NHLBI Exome Sequencing Project, indicating it is not a common benign variant in these populations. This pathogenic variant is predicted to cause loss of normal protein function either through protein truncation or nonsense-mediated mRNA decay.

Institute of Human Genetics Munich, TUM University Hospital
Classification: Pathogenic for Familial X-linked hypophosphatemic vitamin D refractory rickets. Last evaluated: 2013-10-28. Review status: criteria provided, single submitter. Criteria: Classification criteria August 2017. Collection method: clinical testing. Allele origin: germline. Inheritance: X-linked inheritance. Affected: yes. Observed: 1 hemizygote.

Literature cited by the submitters: PubMed 9199930 (cited by Institute of Human Genetics Munich, TUM University Hospital).